The following is an entry in ClinVar:

NM_000562.3(C8A):c.172-6G>C

Gene: C8A (complement C8 alpha chain; plus strand). Cytogenetic location: 1p32.2.
Variant type: single nucleotide variant.
Coding change: c.172-6G>C on transcript NM_000562.3 (MANE Select); 6 bases into the intron before coding-DNA position 172, G replaced by C.
Molecular consequence: intron variant.
Genome position (GRCh38, 1-based): chr1:56,874,943, G>C. VCF-style: chr1-56874943-G-C. GRCh37 (hg19) VCF-style: chr1-57340616-G-C.
Other names: c.172-6G>C (NM_000562.2).
Identifiers: ClinVar variation 2977440 (VCV002977440.5), dbSNP rs745908825, ClinGen allele CA874953.

ClinVar aggregate classification (germline): Likely benign. Review status: criteria provided, single submitter (1 of 4 stars). 2 submissions from 2 submitters: Likely benign (1). 1 of the submissions does not count toward it. Last evaluated 2025-04-13.

Conditions:
C8A-related disorder. Also called: C8A-related condition.

Allele frequency attached by ClinVar (database versions not stated): ExAC 0.00001.
gnomAD v4.1: 41 of 1,613,346 alleles (0.0025%); highest among the groups gnomAD compares: Non-Finnish European, 0.0029%; no homozygotes.

Submissions (2):

Labcorp Genetics (formerly Invitae), Labcorp
Classification: Likely benign. Last evaluated: 2025-04-13. Review status: criteria provided, single submitter. Criteria: Invitae Variant Classification Sherloc (09022015). Collection method: clinical testing. Allele origin: germline.

PreventionGenetics, part of Exact Sciences
Classification: Likely benign for C8A-related condition. Last evaluated: 2019-03-18. Review status: no assertion criteria provided. Collection method: clinical testing. Allele origin: germline. Not counted in ClinVar's aggregate classification.
Comment: This variant is classified as likely benign based on ACMG/AMP sequence variant interpretation guidelines (Richards et al. 2015 PMID: 25741868, with internal and published modifications).